The following is an entry in ClinVar:

NC_000019.9:g.(?_48714967)_(48737820_?)del

Gene: CARD8 (caspase recruitment domain family member 8; minus strand). Cytogenetic location: 19q13.33.
Variant type: Deletion.
Identifiers: ClinVar variation 1017200 (VCV001017200.6).

ClinVar aggregate classification (germline): Uncertain significance (1 of 4 stars; one submission).

Submission:

Labcorp Genetics (formerly Invitae), Labcorp
Classification: Uncertain significance. Last evaluated: 2023-12-15. Review status: criteria provided, single submitter. Criteria: Invitae Variant Classification Sherloc (09022015). Collection method: clinical testing. Allele origin: germline.
Comment: This variant is a gross deletion of the genomic region encompassing exon(s) 4-12 of the CARD8 gene, which includes the initiator codon. This deletion extends beyond the assayed region for this gene and therefore may encompass additional genes. It is expected to result in an absent or disrupted protein product. However, the current clinical and genetic evidence is not sufficient to establish whether loss-of-function variants in CARD8 cause disease. This variant has not been reported in the literature in individuals affected with CARD8-related conditions. In summary, the available evidence is currently insufficient to determine the role of this variant in disease. Therefore, it has been classified as a Variant of Uncertain Significance.